The following is an entry in ClinVar:

ClinVar aggregate classification (germline): Uncertain significance (1 of 4 stars; one submission).

Conditions:
CUL4B-related disorder. Also called: CUL4B-related condition.

Submission:

PreventionGenetics, part of Exact Sciences
Classification: Uncertain significance for CUL4B-related condition. Last evaluated: 2025-08-24. Review status: criteria provided, single submitter. Criteria: ACMG Guidelines, 2015. Collection method: clinical testing. Allele origin: germline.
Comment: The CUL4B c.1244A>G variant is predicted to result in the amino acid substitution p.His415Arg. To our knowledge, this variant has not been reported in the literature or in a large population database (gnomAD), indicating this variant is rare. At this time, the clinical significance of this variant is uncertain due to the absence of conclusive functional and genetic evidence.

NM_001079872.2(CUL4B):c.1190A>G (p.His397Arg)

Gene: CUL4B (cullin 4B; minus strand). Cytogenetic location: Xq24.
Variant type: single nucleotide variant.
Coding change: c.1190A>G on transcript NM_001079872.2 (MANE Select); coding-DNA position 1190, A replaced by G.
Protein change: p.His397Arg; replaces histidine 397 with arginine.
Molecular consequence: missense variant.
Genome position (GRCh38, 1-based): chrX:120,543,793, T>C on the plus strand (A>G on the coding strand, the complement: CUL4B is on the minus strand). VCF-style: chrX-120543793-T-C. GRCh37 (hg19) VCF-style: chrX-119677648-T-C.
Other names: c.1205A>G, p.His402Arg (NM_001330624.2); c.656A>G, p.His219Arg (NM_001369145.1); c.1244A>G, p.His415Arg (NM_003588.4); short protein forms H397R, H219R, H415R, H402R.
Identifiers: ClinVar variation 4995255 (VCV004995255.1).